The following is an entry in ClinVar:

NM_005763.4(AASS):c.2711A>G (p.Tyr904Cys)

Gene: AASS (aminoadipate-semialdehyde synthase; minus strand). Cytogenetic location: 7q31.32.
Variant type: single nucleotide variant.
Coding change: c.2711A>G on transcript NM_005763.4 (MANE Select); coding-DNA position 2711, A replaced by G.
Protein change: p.Tyr904Cys; replaces tyrosine 904 with cysteine.
Molecular consequence: missense variant.
Genome position (GRCh38, 1-based): chr7:122,076,559, T>C on the plus strand (A>G on the coding strand, the complement: AASS is on the minus strand). VCF-style: chr7-122076559-T-C. GRCh37 (hg19) VCF-style: chr7-121716613-T-C.
Other names: short protein forms Y904C.
Identifiers: ClinVar variation 1312233 (VCV001312233.4), dbSNP rs150180890, ClinGen allele CA4457949.

ClinVar aggregate classification (germline): Uncertain significance. Review status: criteria provided, multiple submitters, no conflicts (2 of 4 stars). 2 submissions from 2 submitters: Uncertain significance (2). Last evaluated 2025-04-04.

Conditions:
Inborn genetic diseases. Identifiers: MedGen C0950123, MeSH D030342.

Allele frequency attached by ClinVar (database versions not stated): gnomAD 0.00005 and 0.00004; ExAC 0.00002; TOPMed 0.00004; ESP Exome Variant Server 0.00008; gnomAD exomes 0.00009 and 0.00001.

Submissions (2):

Ambry Genetics
Classification: Uncertain significance for Inborn genetic diseases. Last evaluated: 2025-04-04. Review status: criteria provided, single submitter. Criteria: Ambry Variant Classification Scheme 2023. Collection method: clinical testing. Allele origin: germline.

GeneDx
Classification: Uncertain significance. Last evaluated: 2023-06-11. Review status: criteria provided, single submitter. Criteria: GeneDx Variant Classification Process June 2021. Collection method: clinical testing. Allele origin: germline. Affected: yes.
Comment: Not observed at significant frequency in large population cohorts (gnomAD); In silico analysis supports that this missense variant has a deleterious effect on protein structure/function; Has not been previously published as pathogenic or benign to our knowledge